The following is an entry in ClinVar:

NM_000222.3(KIT):c.374A>T (p.Tyr125Phe)

Gene: KIT (KIT proto-oncogene, receptor tyrosine kinase; plus strand). Cytogenetic location: 4q12.
Variant type: single nucleotide variant.
Coding change: c.374A>T on transcript NM_000222.3 (MANE Select); coding-DNA position 374, A replaced by T.
Protein change: p.Tyr125Phe; replaces tyrosine 125 with phenylalanine.
Molecular consequence: missense variant.
Genome position (GRCh38, 1-based): chr4:54,698,320, A>T. VCF-style: chr4-54698320-A-T. GRCh37 (hg19) VCF-style: chr4-55564486-A-T.
Other names: c.374A>T, p.Tyr125Phe (NM_001093772.2, NM_001385284.1, NM_001385285.1 and 4 more transcripts); short protein forms Y125F.
Identifiers: ClinVar variation 3700211 (VCV003700211.3).

ClinVar aggregate classification (germline): Uncertain significance. Review status: criteria provided, multiple submitters, no conflicts (2 of 4 stars). 2 submissions from 2 submitters: Uncertain significance (2). Last evaluated 2025-11-08.

Conditions:
Hereditary cancer-predisposing syndrome. Also called: Neoplastic Syndromes, Hereditary; Tumor predisposition; Hereditary Cancer Syndrome; Hereditary neoplastic syndrome. Identifiers: Orphanet 140162, MedGen C0027672, MeSH D009386, MONDO:0015356.
Gastrointestinal stromal tumor. Also called: Gastrointestinal stromal tumor, somatic; Gastrointestinal stroma tumor. Identifiers: Orphanet 44890, MedGen C0238198, MeSH D046152, MONDO:0011719, OMIM 606764, HP:0100723.

gnomAD v4.1: 1 of 1,614,002 alleles (0.000062%); highest among the groups gnomAD compares: Non-Finnish European, 0.000085%; no homozygotes.

Submissions (2):

Labcorp Genetics (formerly Invitae), Labcorp
Classification: Uncertain significance for Gastrointestinal stromal tumor. Last evaluated: 2025-11-08. Review status: criteria provided, single submitter. Criteria: Invitae Variant Classification Sherloc (09022015). Collection method: clinical testing. Allele origin: germline.
Comment: This sequence change replaces tyrosine, which is neutral and polar, with phenylalanine, which is neutral and non-polar, at codon 125 of the KIT protein (p.Tyr125Phe). This variant is not present in population databases (gnomAD no frequency). This variant has not been reported in the literature in individuals affected with KIT-related conditions. ClinVar contains an entry for this variant (Variation ID: 3700211). An algorithm developed to predict the effect of missense changes on protein structure and function outputs the following: PolyPhen-2: "Benign". The phenylalanine amino acid residue is found in multiple mammalian species, which suggests that this missense change does not adversely affect protein function. In summary, the available evidence is currently insufficient to determine the role of this variant in disease. Therefore, it has been classified as a Variant of Uncertain Significance.

Ambry Genetics
Classification: Uncertain significance for Hereditary cancer-predisposing syndrome. Last evaluated: 2025-04-28. Review status: criteria provided, single submitter. Criteria: Ambry Variant Classification Scheme 2023. Collection method: clinical testing. Allele origin: germline.
Comment: The p.Y125F variant (also known as c.374A>T), located in coding exon 3 of the KIT gene, results from an A to T substitution at nucleotide position 374. The tyrosine at codon 125 is replaced by phenylalanine, an amino acid with highly similar properties. This variant was reported in individual(s) with features consistent with KIT-related gastrointestinal stromal tumor syndrome (Vanden Bempt I et al. Genes Chromosomes Cancer, 2021 Apr;60:239-249). This amino acid position is well conserved in available vertebrate species. In addition, this alteration is predicted to be tolerated by in silico analysis. Based on the available evidence, the clinical significance of this variant remains unclear.

Literature cited by the submitters: PubMed 33258138 (cited by Ambry Genetics).